The following is an entry in ClinVar:

ClinVar aggregate classification (germline): Uncertain significance. Review status: criteria provided, multiple submitters, no conflicts (2 of 4 stars). 2 submissions from 2 submitters: Uncertain significance (2). Last evaluated 2025-12-08.

Conditions:
Hereditary cancer-predisposing syndrome. Also called: Neoplastic Syndromes, Hereditary; Hereditary neoplastic syndrome; Hereditary Cancer Syndrome; Tumor predisposition. Identifiers: Orphanet 140162, MedGen C0027672, MeSH D009386, MONDO:0015356.
POLD1-related polyposis and colorectal cancer syndrome (CRCS10). Also called: Colorectal cancer, susceptibility to, 10; Colorectal cancer 10; COLORECTAL CANCER, SUSCEPTIBILITY TO, ON CHROMOSOME 19q. Identifiers: Orphanet 220460, MedGen C2675481, MONDO:0012953, OMIM 612591.

Allele frequency attached by ClinVar (database versions not stated): gnomAD exomes below 0.00001.
gnomAD v4.1: 5 of 1,612,818 alleles (0.00031%); highest among the groups gnomAD compares: Non-Finnish European, 0.00042%; no homozygotes.

Submissions (2):

Labcorp Genetics (formerly Invitae), Labcorp
Classification: Uncertain significance for POLD1-related polyposis and colorectal cancer syndrome. Last evaluated: 2025-12-08. Review status: criteria provided, single submitter. Criteria: Invitae Variant Classification Sherloc (09022015). Collection method: clinical testing. Allele origin: germline.
Comment: This sequence change replaces valine, which is neutral and non-polar, with alanine, which is neutral and non-polar, at codon 111 of the POLD1 protein (p.Val111Ala). This variant is not present in population databases (gnomAD no frequency). This variant has not been reported in the literature in individuals affected with POLD1-related conditions. ClinVar contains an entry for this variant (Variation ID: 407944). An algorithm developed to predict the effect of missense changes on protein structure and function (PolyPhen-2) suggests that this variant is likely to be tolerated. In summary, the available evidence is currently insufficient to determine the role of this variant in disease. Therefore, it has been classified as a Variant of Uncertain Significance.

Ambry Genetics
Classification: Uncertain significance for Hereditary cancer-predisposing syndrome. Last evaluated: 2023-11-01. Review status: criteria provided, single submitter. Criteria: Ambry Variant Classification Scheme 2023. Collection method: clinical testing. Allele origin: germline.
Comment: The p.V111A variant (also known as c.332T>C), located in coding exon 3 of the POLD1 gene, results from a T to C substitution at nucleotide position 332. The valine at codon 111 is replaced by alanine, an amino acid with similar properties. This amino acid position is conserved. In addition, this alteration is predicted to be tolerated by in silico analysis. Since supporting evidence is limited at this time, the clinical significance of this alteration remains unclear.

NM_002691.4(POLD1):c.332T>C (p.Val111Ala)

Gene: POLD1 (DNA polymerase delta 1, catalytic subunit; plus strand). Cytogenetic location: 19q13.33.
Variant type: single nucleotide variant.
Coding change: c.332T>C on transcript NM_002691.4 (MANE Select); coding-DNA position 332, T replaced by C.
Protein change: p.Val111Ala; replaces valine 111 with alanine.
Molecular consequence: missense variant. On other transcripts: non-coding transcript variant (1).
Genome position (GRCh38, 1-based): chr19:50,401,793, T>C. VCF-style: chr19-50401793-T-C. GRCh37 (hg19) VCF-style: chr19-50905050-T-C.
Other names: c.332T>C, p.Val111Ala (NM_001256849.1, NM_001308632.1); c.332T>C (NM_002691.2); short protein forms V111A.
Identifiers: ClinVar variation 407944 (VCV000407944.8), dbSNP rs1060501800, ClinGen allele CA16616324.